The following is an entry in ClinVar:

NM_001110556.2(FLNA):c.2768T>C (p.Val923Ala)

Gene: FLNA (filamin A; minus strand). Cytogenetic location: Xq28.
Variant type: single nucleotide variant.
Coding change: c.2768T>C on transcript NM_001110556.2 (MANE Select); coding-DNA position 2768, T replaced by C.
Protein change: p.Val923Ala; replaces valine 923 with alanine.
Molecular consequence: missense variant.
Genome position (GRCh38, 1-based): chrX:154,362,037, A>G on the plus strand (T>C on the coding strand, the complement: FLNA is on the minus strand). VCF-style: chrX-154362037-A-G. GRCh37 (hg19) VCF-style: chrX-153590405-A-G.
Other names: c.2768T>C, p.Val923Ala (NM_001456.4); short protein forms V923A.
Identifiers: ClinVar variation 3763690 (VCV003763690.2).

ClinVar aggregate classification (germline): Uncertain significance (1 of 4 stars; one submission).

Conditions:
Oto-palato-digital syndrome, type II (OPD2). Also called: Otopalatodigital Syndrome Type 2 (FLNA-OPD2); FACIOPALATOOSSEOUS SYNDROME; OPD II SYNDROME; Otopalatodigital Syndrome, Type II. Identifiers: Orphanet 669, Orphanet 90652, MedGen C1844696, MONDO:0010571, OMIM 304120.
Heterotopia, periventricular, X-linked dominant (PVNH1). Also called: PERIVENTRICULAR NODULAR HETEROTOPIA 1; X-linked periventricular heterotopia; PERIVENTRICULAR NODULAR HETEROTOPIA 4; HETEROTOPIA, PERIVENTRICULAR, 1. Identifiers: Orphanet 2149, Orphanet 82004, MedGen C1848213, MONDO:0010233, OMIM 300049.
Frontometaphyseal dysplasia (FMD1). Identifiers: Orphanet 1826, MedGen C0265293, MONDO:0015942.
Melnick-Needles syndrome (MNS). Also called: Melnick-Needles Syndrome (FLNA-MNS); MELNICK-NEEDLES OSTEODYSPLASTY; OSTEODYSPLASTY OF MELNICK AND NEEDLES. Identifiers: Orphanet 2484, MedGen C0025237, MONDO:0010650, OMIM 309350.

gnomAD v4.1: 1 of 1,210,167 alleles (0.000083%); highest among the groups gnomAD compares: African/African-American, 0.0017%; no homozygotes.

Submission:

Labcorp Genetics (formerly Invitae), Labcorp
Classification: Uncertain significance for Oto-palato-digital syndrome, type II; Heterotopia, periventricular, X-linked dominant; Frontometaphyseal dysplasia; Melnick-Needles syndrome. Last evaluated: 2025-08-04. Review status: criteria provided, single submitter. Criteria: Invitae Variant Classification Sherloc (09022015). Collection method: clinical testing. Allele origin: germline.
Comment: This sequence change replaces valine, which is neutral and non-polar, with alanine, which is neutral and non-polar, at codon 923 of the FLNA protein (p.Val923Ala). This variant is not present in population databases (gnomAD no frequency). This variant has not been reported in the literature in individuals affected with FLNA-related conditions. ClinVar contains an entry for this variant (Variation ID: 3763690). Invitae Evidence Modeling of protein sequence and biophysical properties (such as structural, functional, and spatial information, amino acid conservation, physicochemical variation, residue mobility, and thermodynamic stability) indicates that this missense variant is not expected to disrupt FLNA protein function with a negative predictive value of 95%. In summary, the available evidence is currently insufficient to determine the role of this variant in disease. Therefore, it has been classified as a Variant of Uncertain Significance.